The following is an entry in ClinVar:

ClinVar aggregate classification (germline): Likely benign. Review status: criteria provided, multiple submitters, no conflicts (2 of 4 stars). 3 submissions from 3 submitters: Likely benign (2). 1 of the submissions does not count toward it. Last evaluated 2026-01-17.

Conditions:
Short-rib thoracic dysplasia 10 with or without polydactyly (SRTD10). Identifiers: Orphanet 474, MedGen C3810175, MONDO:0014284, OMIM 615630.
Bardet-Biedl syndrome 20. Identifiers: MedGen C4310707, MONDO:0023670, OMIM 619471, MONDO:0014926.
Retinitis pigmentosa 71 (RP71). Identifiers: Orphanet 791, MedGen C4225342, MONDO:0014618, OMIM 616394.
IFT172-related disorder. Also called: IFT172-related condition; IFT172-related disorders.

Allele frequency attached by ClinVar (database versions not stated): gnomAD exomes 0.00001 and 0.00002; ExAC 0.00002; gnomAD 0.00006 and 0.00007; TOPMed 0.00008; 1000 Genomes Project 30x 0.00016; 1000 Genomes Project 0.00020.
gnomAD v4.1: 19 of 1,614,062 alleles (0.0012%); highest among the groups gnomAD compares: African/African-American, 0.024%; no homozygotes.

Submissions (3):

Labcorp Genetics (formerly Invitae), Labcorp
Classification: Likely benign for Retinitis pigmentosa 71; Short-rib thoracic dysplasia 10 with or without polydactyly. Last evaluated: 2026-01-17. Review status: criteria provided, single submitter. Criteria: Invitae Variant Classification Sherloc (09022015). Collection method: clinical testing. Allele origin: germline.

Fulgent Genetics
Classification: Likely benign for Short-rib thoracic dysplasia 10 with or without polydactyly; Retinitis pigmentosa 71; Bardet-Biedl syndrome 20. Last evaluated: 2022-03-02. Review status: criteria provided, single submitter. Criteria: ACMG Guidelines, 2015. Collection method: clinical testing. Allele origin: unknown.

PreventionGenetics, part of Exact Sciences
Classification: Likely benign for IFT172-related condition. Last evaluated: 2022-01-12. Review status: no assertion criteria provided. Collection method: clinical testing. Allele origin: germline. Not counted in ClinVar's aggregate classification.
Comment: This variant is classified as likely benign based on ACMG/AMP sequence variant interpretation guidelines (Richards et al. 2015 PMID: 25741868, with internal and published modifications).

NM_015662.3(IFT172):c.1006-10C>T

Gene: IFT172 (intraflagellar transport 172; minus strand). Cytogenetic location: 2p23.3.
Variant type: single nucleotide variant.
Coding change: c.1006-10C>T on transcript NM_015662.3 (MANE Select); 10 bases into the intron before coding-DNA position 1006, C replaced by T.
Molecular consequence: intron variant.
Genome position (GRCh38, 1-based): chr2:27,478,166, G>A on the plus strand (C>T on the coding strand, the complement: IFT172 is on the minus strand). VCF-style: chr2-27478166-G-A. GRCh37 (hg19) VCF-style: chr2-27701033-G-A.
Other names: c.1006-10C>T (NM_015662.2).
Identifiers: ClinVar variation 1664142 (VCV001664142.11), dbSNP rs545781319, ClinGen allele CA1580790.